The following is an entry in ClinVar:

ClinVar aggregate classification (germline): Uncertain significance. Review status: criteria provided, multiple submitters, no conflicts (2 of 4 stars). 2 submissions from 2 submitters: Uncertain significance (2). Last evaluated 2021-06-12.

Conditions:
Familial thoracic aortic aneurysm and aortic dissection (TAAD). Also called: Thoracic aortic aneurysms and dissections. Identifiers: Orphanet 91387, MedGen C4707243, MONDO:0019625.
Ehlers-Danlos syndrome, kyphoscoliotic type 1 (EDSKSCL1). Also called: EHLERS-DANLOS SYNDROME, OCULAR-SCOLIOTIC TYPE; Ehlers-Danlos syndrome, hydroxylysine-deficient; PLOD1-Related Kyphoscoliotic Ehlers-Danlos Syndrome; EHLERS-DANLOS SYNDROME, TYPE VIA. Identifiers: Orphanet 1900, MedGen C0268342, MONDO:0016002, OMIM 225400. Disease mechanism: loss of function.

Allele frequency attached by ClinVar (database versions not stated): TOPMed below 0.00001; gnomAD 0.00001 and 0.00002; gnomAD exomes 0.00001; ExAC 0.00002.
gnomAD v4.1: 24 of 1,613,666 alleles (0.0015%); highest among the groups gnomAD compares: East Asian, 0.016%; no homozygotes.

Submissions (2):

Labcorp Genetics (formerly Invitae), Labcorp
Classification: Uncertain significance for Ehlers-Danlos syndrome, kyphoscoliotic type 1. Last evaluated: 2021-06-12. Review status: criteria provided, single submitter. Criteria: Invitae Variant Classification Sherloc (09022015). Collection method: clinical testing. Allele origin: germline.
Comment: Algorithms developed to predict the effect of missense changes on protein structure and function are either unavailable or do not agree on the potential impact of this missense change (SIFT: "Deleterious"; PolyPhen-2: "Probably Damaging"; Align-GVGD: "Class C0"). This sequence change replaces arginine with cysteine at codon 684 of the PLOD1 protein (p.Arg684Cys). The arginine residue is highly conserved and there is a large physicochemical difference between arginine and cysteine. This variant is present in population databases (rs748841458, ExAC 0.01%). This variant has not been reported in the literature in individuals with PLOD1-related conditions. ClinVar contains an entry for this variant (Variation ID: 520101). In summary, the available evidence is currently insufficient to determine the role of this variant in disease. Therefore, it has been classified as a Variant of Uncertain Significance.

Ambry Genetics
Classification: Uncertain significance for Familial thoracic aortic aneurysm and aortic dissection. Last evaluated: 2016-01-27. Review status: criteria provided, single submitter. Criteria: Ambry Variant Classification Scheme 2023. Collection method: clinical testing. Allele origin: germline.
Comment: The p.R684C variant (also known as c.2050C>T), located in coding exon 19 of the PLOD1 gene, results from a C to T substitution at nucleotide position 2050. The arginine at codon 684 is replaced by cysteine, an amino acid with highly dissimilar properties. Based on data from ExAC, the T allele was reported in 2 of 117468 (0.002%) total alleles (Exome Aggregation Consortium (ExAC), Cambridge, MA (URL) [Accessed January 27, 2016). This variant was not reported in population based cohorts in the following databases: Database of Single Nucleotide Polymorphisms (dbSNP), NHLBI Exome Sequencing Project (ESP), and 1000 Genomes Project. In the ESP, this variant was not observed in 6503 samples (13006 alleles) with coverage at this position. This amino acid position is highly conserved in available vertebrate species. In addition, this alteration is predicted to be deleterious by in silico analysis. Since supporting evidence is limited at this time, the clinical significance of this variant remains unclear.

NM_000302.4(PLOD1):c.2050C>T (p.Arg684Cys)

Gene: PLOD1 (procollagen-lysine,2-oxoglutarate 5-dioxygenase 1; plus strand). Cytogenetic location: 1p36.22.
Variant type: single nucleotide variant.
Coding change: c.2050C>T on transcript NM_000302.4 (MANE Select); coding-DNA position 2050, C replaced by T.
Protein change: p.Arg684Cys; replaces arginine 684 with cysteine.
Molecular consequence: missense variant.
Genome position (GRCh38, 1-based): chr1:11,974,674, C>T. VCF-style: chr1-11974674-C-T. GRCh37 (hg19) VCF-style: chr1-12034731-C-T.
Other names: c.2191C>T, p.Arg731Cys (NM_001316320.2); short protein forms R684C, R731C.
Identifiers: ClinVar variation 520101 (VCV000520101.13), dbSNP rs748841458, ClinGen allele CA598667.